The following is an entry in ClinVar:

ClinVar aggregate classification (germline): Pathogenic (1 of 4 stars; one submission).

Conditions:
Short-rib thoracic dysplasia 10 with or without polydactyly (SRTD10). Identifiers: Orphanet 474, MedGen C3810175, MONDO:0014284, OMIM 615630.
Retinitis pigmentosa 71 (RP71). Identifiers: Orphanet 791, MedGen C4225342, MONDO:0014618, OMIM 616394.

Submission:

Labcorp Genetics (formerly Invitae), Labcorp
Classification: Pathogenic for Retinitis pigmentosa 71; Short-rib thoracic dysplasia 10 with or without polydactyly. Last evaluated: 2026-01-01. Review status: criteria provided, single submitter. Criteria: Invitae Variant Classification Sherloc (09022015). Collection method: clinical testing. Allele origin: germline.
Comment: This sequence change creates a premature translational stop signal (p.Lys144Asnfs*15) in the IFT172 gene. It is expected to result in an absent or disrupted protein product. Loss-of-function variants in IFT172 are known to be pathogenic (PMID: 24140113). This variant is not present in population databases (gnomAD no frequency). This premature translational stop signal has been observed in individual(s) with clinical features of IFT172-related conditions (PMID: 24140113). For these reasons, this variant has been classified as Pathogenic.

Literature cited by the submitters: PubMed 24140113.

NM_015662.3(IFT172):c.432del (p.Lys144fs)

Gene: IFT172 (intraflagellar transport 172; minus strand). Cytogenetic location: 2p23.3.
Variant type: Deletion.
Coding change: c.432del on transcript NM_015662.3 (MANE Select); coding-DNA position 432, one base deleted (A; older notation c.432delA).
Protein change: p.Lys144fs; shifts the reading frame from lysine 144.
Molecular consequence: frameshift variant.
Genome position (GRCh38, 1-based): chr2:27,483,630, T deleted on the plus strand (A on the coding strand, the reverse complement: IFT172 is on the minus strand); the first of 3 consecutive T bases (chr2:27,483,630-27,483,632); deleting any one gives the same sequence. VCF-style (leftmost placement, unchanged base first): chr2-27483629-AT-A. GRCh37 (hg19) VCF-style: chr2-27706496-AT-A.
Other names: c.432del, p.Lys144fs (NM_001410739.1); short protein forms K144fs.
Identifiers: ClinVar variation 4783532 (VCV004783532.1).